The following is an entry in ClinVar:

NM_003842.5(TNFRSF10B):c.769C>T (p.Arg257Cys)

Gene: TNFRSF10B (TNF receptor superfamily member 10b; minus strand). Cytogenetic location: 8p21.3.
Variant type: single nucleotide variant.
Coding change: c.769C>T on transcript NM_003842.5 (MANE Select); coding-DNA position 769, C replaced by T.
Protein change: p.Arg257Cys; replaces arginine 257 with cysteine.
Molecular consequence: missense variant. On other transcripts: non-coding transcript variant (1).
Genome position (GRCh38, 1-based): chr8:23,027,733, G>A on the plus strand (C>T on the coding strand, the complement: TNFRSF10B is on the minus strand). VCF-style: chr8-23027733-G-A. GRCh37 (hg19) VCF-style: chr8-22885246-G-A.
Other names: c.682C>T, p.Arg228Cys (NM_147187.3); short protein forms R228C, R257C.
Identifiers: ClinVar variation 3053266 (VCV003053266.2), dbSNP rs141856351, ClinGen allele CA4673216.

ClinVar aggregate classification (germline): Likely benign (0 of 4 stars; one submission).

Conditions:
TNFRSF10B-related disorder. Also called: TNFRSF10B-related condition.

Allele frequency attached by ClinVar (database versions not stated): ExAC 0.00029; gnomAD 0.00097; TOPMed 0.00102; ESP Exome Variant Server 0.00131; 1000 Genomes Project 30x 0.00172; 1000 Genomes Project 0.00180.

Submission:

PreventionGenetics, part of Exact Sciences
Classification: Likely benign for TNFRSF10B-related condition. Last evaluated: 2022-07-25. Review status: no assertion criteria provided. Collection method: clinical testing. Allele origin: germline.
Comment: This variant is classified as likely benign based on ACMG/AMP sequence variant interpretation guidelines (Richards et al. 2015 PMID: 25741868, with internal and published modifications).